The following is an entry in ClinVar:

NM_000051.4(ATM):c.6614G>A (p.Trp2205Ter)

Genes: ATM (ATM serine/threonine kinase; plus strand), C11orf65 (chromosome 11 open reading frame 65; minus strand). Cytogenetic location: 11q22.3.
Variant type: single nucleotide variant.
Coding change: c.6614G>A on transcript NM_000051.4 (MANE Select); coding-DNA position 6614, G replaced by A.
Protein change: p.Trp2205Ter; replaces tryptophan 2205 with a stop codon.
Molecular consequence: nonsense. On other transcripts: intron variant (2).
Genome position (GRCh38, 1-based): chr11:108,325,351, G>A. VCF-style: chr11-108325351-G-A. GRCh37 (hg19) VCF-style: chr11-108196078-G-A.
Other names: c.6614G>A, p.Trp2205Ter (NM_001351834.2); c.641-16280C>T (NM_001330368.2); c.*38+9869C>T (NM_001351110.2); short protein forms W2205*.
Identifiers: ClinVar variation 3148126 (VCV003148126.1), dbSNP rs2136308670, ClinGen allele CA382554730.

ClinVar aggregate classification (germline): Pathogenic (1 of 4 stars; one submission).

Conditions:
Familial cancer of breast. Also called: hereditary breast carcinoma; BREAST CANCER, FAMILIAL; Hereditary breast cancer. Identifiers: Orphanet 227535, MedGen C0346153, MONDO:0016419, OMIM 114480. Disease mechanism: loss of function.

Submission:

Myriad Genetics, Inc.
Classification: Pathogenic for Familial cancer of breast. Last evaluated: 2024-01-30. Review status: criteria provided, single submitter. Criteria: Myriad Autosomal Dominant, Autosomal Recessive and X-Linked Classification Criteria (2023). Collection method: clinical testing. Allele origin: unknown.
Comment: This variant is considered pathogenic. This variant creates a termination codon and is predicted to result in premature protein truncation.